The following is an entry in ClinVar:

ClinVar aggregate classification (germline): Likely benign. Review status: criteria provided, multiple submitters, no conflicts (2 of 4 stars). 3 submissions from 3 submitters: Likely benign (2). 1 of the submissions does not count toward it. Last evaluated 2026-01-12.

Conditions:
GRIN1-related disorder. Also called: GRIN1-related condition.
Neurodevelopmental disorder with or without hyperkinetic movements and seizures, autosomal dominant. Also called: Intellectual disability, autosomal dominant 8. Identifiers: MedGen C3280282, MONDO:0013655, OMIM 614254.

Allele frequency attached by ClinVar (database versions not stated): gnomAD 0.00019 and 0.00016; 1000 Genomes Project 0.00020; gnomAD exomes 0.00026 and 0.00013; 1000 Genomes Project 30x 0.00031; ESP Exome Variant Server 0.00038; TOPMed 0.00014; ExAC 0.00018.
gnomAD v4.1: 396 of 1,613,148 alleles (0.025%); highest among the groups gnomAD compares: South Asian, 0.055%; 1 homozygote.

Submissions (3):

Labcorp Genetics (formerly Invitae), Labcorp
Classification: Likely benign for Neurodevelopmental disorder with or without hyperkinetic movements and seizures, autosomal dominant. Last evaluated: 2026-01-12. Review status: criteria provided, single submitter. Criteria: Invitae Variant Classification Sherloc (09022015). Collection method: clinical testing. Allele origin: germline.

GeneDx
Classification: Likely benign. Last evaluated: 2019-10-22. Review status: criteria provided, single submitter. Criteria: GeneDx Variant Classification Process June 2021. Collection method: clinical testing. Allele origin: germline. Affected: yes.

PreventionGenetics, part of Exact Sciences
Classification: Likely benign for GRIN1-related condition. Last evaluated: 2019-09-10. Review status: no assertion criteria provided. Collection method: clinical testing. Allele origin: germline. Not counted in ClinVar's aggregate classification.
Comment: This variant is classified as likely benign based on ACMG/AMP sequence variant interpretation guidelines (Richards et al. 2015 PMID: 25741868, with internal and published modifications).

NM_007327.4(GRIN1):c.633G>A (p.Ala211=)

Gene: GRIN1 (glutamate ionotropic receptor NMDA type subunit 1; plus strand). Cytogenetic location: 9q34.3.
Variant type: single nucleotide variant.
Coding change: c.633G>A on transcript NM_007327.4 (MANE Select); coding-DNA position 633, G replaced by A.
Protein change: p.Ala211=; no amino-acid change (alanine 211 retained).
Molecular consequence: synonymous variant.
Genome position (GRCh38, 1-based): chr9:137,149,071, G>A. VCF-style: chr9-137149071-G-A. GRCh37 (hg19) VCF-style: chr9-140043523-G-A.
Other names: c.633G>A, p.Ala211= (NM_000832.7, NM_021569.4); c.696G>A, p.Ala232= (NM_001185090.2, NM_001185091.2).
Identifiers: ClinVar variation 679953 (VCV000679953.15), dbSNP rs150405897, ClinGen allele CA5360722.